The following is an entry in ClinVar:

ClinVar aggregate classification (germline): Uncertain significance (1 of 4 stars; one submission).

Submission:

Labcorp Genetics (formerly Invitae), Labcorp
Classification: Uncertain significance. Last evaluated: 2024-06-20. Review status: criteria provided, single submitter. Criteria: Invitae Variant Classification Sherloc (09022015). Collection method: clinical testing. Allele origin: germline.
Comment: This sequence change replaces leucine, which is neutral and non-polar, with valine, which is neutral and non-polar, at codon 229 of the MS4A1 protein (p.Leu229Val). This variant is present in population databases (no rsID available, gnomAD 0.01%). This variant has not been reported in the literature in individuals affected with MS4A1-related conditions. Algorithms developed to predict the effect of missense changes on protein structure and function output the following: SIFT: "Not Available"; PolyPhen-2: "Possibly Damaging"; Align-GVGD: "Not Available". The valine amino acid residue is found in multiple mammalian species, which suggests that this missense change does not adversely affect protein function. In summary, the available evidence is currently insufficient to determine the role of this variant in disease. Therefore, it has been classified as a Variant of Uncertain Significance.

NM_152866.3(MS4A1):c.685C>G (p.Leu229Val)

Gene: MS4A1 (membrane spanning 4-domains A1; plus strand). Cytogenetic location: 11q12.2.
Variant type: single nucleotide variant.
Coding change: c.685C>G on transcript NM_152866.3 (MANE Select); coding-DNA position 685, C replaced by G.
Protein change: p.Leu229Val; replaces leucine 229 with valine.
Molecular consequence: missense variant.
Genome position (GRCh38, 1-based): chr11:60,468,259, C>G. VCF-style: chr11-60468259-C-G. GRCh37 (hg19) VCF-style: chr11-60235732-C-G.
Other names: c.685C>G, p.Leu229Val (NM_021950.4, NM_152867.2); short protein forms L229V.
Identifiers: ClinVar variation 3715029 (VCV003715029.2).